The following is an entry in ClinVar:

ClinVar aggregate classification (germline): Uncertain significance (1 of 4 stars; one submission).

Conditions:
Familial sleep-related hypermotor epilepsy. Also called: Autosomal Dominant Sleep-Related Hypermotor (Hyperkinetic) Epilepsy. Identifiers: Orphanet 98784, MedGen C3696898, MONDO:0000030.

Submission:

Labcorp Genetics (formerly Invitae), Labcorp
Classification: Uncertain significance. Last evaluated: 2023-02-14. Review status: criteria provided, single submitter. Criteria: Invitae Variant Classification Sherloc (09022015). Collection method: clinical testing. Allele origin: germline.
Comment: In summary, the available evidence is currently insufficient to determine the role of this variant in disease. Therefore, it has been classified as a Variant of Uncertain Significance. Experimental studies and prediction algorithms are not available or were not evaluated, and the functional significance of this variant is currently unknown. This variant has not been reported in the literature in individuals affected with CHRNA2-related conditions. This variant is present in population databases (rs765805084, gnomAD 0.01%). This variant, c.1468_1470del, results in the deletion of 1 amino acid(s) of the CHRNA2 protein (p.Lys490del), but otherwise preserves the integrity of the reading frame.

NM_000742.4(CHRNA2):c.1468_1470del (p.Lys490del)

Gene: CHRNA2 (cholinergic receptor nicotinic alpha 2 subunit; minus strand). Cytogenetic location: 8p21.2.
Variant type: Deletion.
Coding change: c.1468_1470del on transcript NM_000742.4 (MANE Select); coding-DNA positions 1468 to 1470, 3 bases deleted (AAG; older notation c.1468_1470delAAG).
Protein change: p.Lys490del; deletes lysine 490.
Molecular consequence: inframe deletion.
Genome position (GRCh38, 1-based): chr8:27,461,749-27,461,751, CTT deleted on the plus strand (AAG on the coding strand, the reverse complement: CHRNA2 is on the minus strand); deleting any 3 consecutive bases within chr8:27,461,749-27,461,752 gives the same sequence; the c. name uses the placement nearest the transcript's 3' end. VCF-style (leftmost placement, unchanged base first): chr8-27461748-CCTT-C. GRCh37 (hg19) VCF-style: chr8-27319265-CCTT-C.
Other names: c.1423_1425del, p.Lys475del (NM_001282455.2); c.991_993del, p.Lys331del (NM_001347705.2, NM_001347706.2); c.874_876del, p.Lys292del (NM_001347707.2, NM_001347708.2); short protein forms K331del, K475del, K292del, K490del.
Identifiers: ClinVar variation 2784358 (VCV002784358.3), dbSNP rs765805084, ClinGen allele CA4689420.